The following is an entry in ClinVar:

NM_001278116.2(L1CAM):c.3368del (p.Phe1123fs)

Gene: L1CAM (L1 cell adhesion molecule; minus strand). Cytogenetic location: Xq28.
Variant type: Deletion.
Coding change: c.3368del on transcript NM_001278116.2 (MANE Select); coding-DNA position 3368, one base deleted (T; older notation c.3368delT).
Protein change: p.Phe1123fs; shifts the reading frame from phenylalanine 1123.
Molecular consequence: frameshift variant.
Genome position (GRCh38, 1-based): chrX:153,863,972, A deleted on the plus strand (T on the coding strand, the reverse complement: L1CAM is on the minus strand); the first of 2 consecutive A bases (chrX:153,863,972-153,863,973); deleting either gives the same sequence. VCF-style (leftmost placement, unchanged base first): chrX-153863971-GA-G. GRCh37 (hg19) VCF-style: chrX-153129426-GA-G.
Other names: c.3368del, p.Phe1123fs (NM_000425.5, NM_024003.3); c.3353del, p.Phe1118fs (NM_001143963.2); short protein forms F1123fs, F1118fs.
Identifiers: ClinVar variation 2032334 (VCV002032334.4), dbSNP rs2520961299, ClinGen allele CA2580101700.

ClinVar aggregate classification (germline): Pathogenic (1 of 4 stars; one submission).

Conditions:
Spastic paraplegia. Identifiers: MedGen C0037772, HP:0001258.

Submission:

Labcorp Genetics (formerly Invitae), Labcorp
Classification: Pathogenic for Spastic paraplegia. Last evaluated: 2022-09-24. Review status: criteria provided, single submitter. Criteria: Invitae Variant Classification Sherloc (09022015). Collection method: clinical testing. Allele origin: germline.
Comment: This sequence change creates a premature translational stop signal (p.Phe1123Serfs*5) in the L1CAM gene. It is expected to result in an absent or disrupted protein product. Loss-of-function variants in L1CAM are known to be pathogenic (PMID: 19846429). This variant is not present in population databases (gnomAD no frequency). This variant has not been reported in the literature in individuals affected with L1CAM-related conditions. For these reasons, this variant has been classified as Pathogenic.

Literature cited by the submitters: PubMed 19846429.